The following is an entry in ClinVar:

ClinVar aggregate classification (germline): Conflicting classifications of pathogenicity. Review status: criteria provided, conflicting classifications (1 of 4 stars). 2 submissions from 2 submitters: Uncertain significance (1); Likely benign (1). Last evaluated 2026-04-26.

Conditions:
IFIH1-related disorder. Also called: IFIH1-related condition.
Singleton-Merten syndrome 1 (SGMRT1). Also called: Widened medullary cavities of bone, aortic calcification, abnormal dentition, and muscular weakness; Syndrome of widened medullary cavities of the metacarpals and phalanges, aortic calcification and abnormal dentition. Identifiers: Orphanet 85191, MedGen C4225427, MONDO:0024535, OMIM 182250.
Aicardi-Goutieres syndrome 7 (AGS7). Identifiers: Orphanet 51, MedGen C3888244, MONDO:0014367, OMIM 615846.

Allele frequency attached by ClinVar (database versions not stated): gnomAD exomes below 0.00001; gnomAD 0.00001; TOPMed 0.00003; ESP Exome Variant Server 0.00015.
gnomAD v4.1: 2 of 1,594,408 alleles (0.00013%); highest among the groups gnomAD compares: African/African-American, 0.0027%; no homozygotes.

Submissions (2):

PreventionGenetics, part of Exact Sciences
Classification: Uncertain significance for IFIH1-related condition. Last evaluated: 2026-04-26. Review status: criteria provided, single submitter. Criteria: ACMG Guidelines, 2015. Collection method: clinical testing. Allele origin: germline.
Comment: The IFIH1 c.1967G>T variant is predicted to result in the amino acid substitution p.Gly656Val. To our knowledge, this variant has not been reported in the literature or in a large population database (gnomAD), indicating this variant is rare. At this time, the clinical significance of this variant is uncertain due to the absence of conclusive functional and genetic evidence.

Labcorp Genetics (formerly Invitae), Labcorp
Classification: Likely benign for Aicardi-Goutieres syndrome 7; Singleton-Merten syndrome 1. Last evaluated: 2024-10-03. Review status: criteria provided, single submitter. Criteria: Invitae Variant Classification Sherloc (09022015). Collection method: clinical testing. Allele origin: germline.

NM_022168.4(IFIH1):c.1967G>T (p.Gly656Val)

Gene: IFIH1 (interferon induced with helicase C domain 1; minus strand). Cytogenetic location: 2q24.2.
Variant type: single nucleotide variant.
Coding change: c.1967G>T on transcript NM_022168.4 (MANE Select); coding-DNA position 1967, G replaced by T.
Protein change: p.Gly656Val; replaces glycine 656 with valine.
Molecular consequence: missense variant.
Genome position (GRCh38, 1-based): chr2:162,277,492, C>A on the plus strand (G>T on the coding strand, the complement: IFIH1 is on the minus strand). VCF-style: chr2-162277492-C-A. GRCh37 (hg19) VCF-style: chr2-163134002-C-A.
Other names: c.1967G>T (NM_022168.3); short protein forms G656V.
Identifiers: ClinVar variation 1668357 (VCV001668357.9), dbSNP rs146300062, ClinGen allele CA59661061.
Genomic context (GRCh38, chr2:162,277,492, plus strand): 5'-AGAAATCTATCTGTTTCATCCAGTTTCAAAGGTTTCTTTAAATCATCCTCATCTTCATCA[C>A]CATCACAATACTCATCATCACCACCCTCATCACTATCATCTTCTATGACTGCAAACTTCT-3'
Protein context (NP_071451.2, residues 646-666): DEGGDDEYCD[Gly656Val]DEDEDDLKKP